The following is an entry in ClinVar:

NM_001267550.2(TTN):c.107821G>C (p.Glu35941Gln)

Genes: TTN-AS1 (TTN antisense RNA 1; plus strand), TTN (titin; minus strand). Cytogenetic location: 2q31.2.
Variant type: single nucleotide variant.
Coding change: c.107821G>C on transcript NM_001267550.2 (MANE Select); coding-DNA position 107821, G replaced by C.
Protein change: p.Glu35941Gln; replaces glutamic acid 35941 with glutamine.
Molecular consequence: missense variant.
Genome position (GRCh38, 1-based): chr2:178,527,167, C>G on the plus strand (G>C on the coding strand, the complement: TTN is on the minus strand). VCF-style: chr2-178527167-C-G. GRCh37 (hg19) VCF-style: chr2-179391894-C-G.
Other names: c.102898G>C, p.Glu34300Gln (NM_001256850.1); c.80626G>C, p.Glu26876Gln (NM_003319.4); c.100117G>C, p.Glu33373Gln (NM_133378.4); c.81001G>C, p.Glu27001Gln (NM_133432.3); c.81202G>C, p.Glu27068Gln (NM_133437.4); short protein forms E26876Q, E34300Q, E35941Q, E27001Q, E33373Q, E27068Q.
Identifiers: ClinVar variation 2140616 (VCV002140616.3), dbSNP rs777087450, ClinGen allele CA1984870.
Genomic context (GRCh38, chr2:178,527,167, plus strand): 5'-CGTCCATGATGATCAGGGTTGTCAGGTCATCTGTGTTTTCAATGTGGAACCTCCCCTGTT[C>G]TTGACTGTGGATTTTTCTTCCACCACAGGACCATGTTACTTCTGGGGTAGGCTCACCCGT-3'
Protein context (NP_001254479.2, residues 35931-35951): SCGGRKIHSQ[Glu35941Gln]QGRFHIENTD

ClinVar aggregate classification (germline): Uncertain significance (1 of 4 stars; one submission).

Conditions:
Autosomal recessive limb-girdle muscular dystrophy type 2J (LGMDR10). Also called: Limb-girdle muscular dystrophy, type 2J; MUSCULAR DYSTROPHY, LIMB-GIRDLE, AUTOSOMAL RECESSIVE 10. Identifiers: Orphanet 140922, MedGen C1837342, MONDO:0012127, OMIM 608807.
Dilated cardiomyopathy 1G (CMD1G). Identifiers: Orphanet 154, MedGen C1858763, MONDO:0011400, OMIM 604145.

Allele frequency attached by ClinVar (database versions not stated): gnomAD exomes 0.00001; ExAC 0.00002.
gnomAD v4.1: 4 of 1,613,982 alleles (0.00025%); highest among the groups gnomAD compares: Admixed American, 0.0017%; no homozygotes.

Submission:

Labcorp Genetics (formerly Invitae), Labcorp
Classification: Uncertain significance for Dilated cardiomyopathy 1G; Autosomal recessive limb-girdle muscular dystrophy type 2J. Last evaluated: 2025-12-06. Review status: criteria provided, single submitter. Criteria: Invitae Variant Classification Sherloc (09022015). Collection method: clinical testing. Allele origin: germline.
Comment: This sequence change replaces glutamic acid, which is acidic and polar, with glutamine, which is neutral and polar, at codon 35941 of the TTN protein (p.Glu35941Gln). This variant is present in population databases (rs777087450, gnomAD 0.003%). This variant has not been reported in the literature in individuals affected with TTN-related conditions. ClinVar contains an entry for this variant (Variation ID: 2140616). Experimental studies and prediction algorithms are not available or were not evaluated, and the functional significance of this variant is currently unknown. This variant is located in the M band of TTN (PMID: 25589632). Non-truncating variants in this region may be relevant for neuromuscular disorders, but have not been definitively shown to cause cardiomyopathy (PMID: 23975875). In summary, the available evidence is currently insufficient to determine the role of this variant in disease. Therefore, it has been classified as a Variant of Uncertain Significance.

Literature cited by the submitters: PubMed 25589632; PubMed 23975875.